The following is an entry in ClinVar:

NM_000051.4(ATM):c.7089+4A>C

Genes: ATM (ATM serine/threonine kinase; plus strand), C11orf65 (chromosome 11 open reading frame 65; minus strand). Cytogenetic location: 11q22.3.
Variant type: single nucleotide variant.
Coding change: c.7089+4A>C on transcript NM_000051.4 (MANE Select); 4 bases into the intron after coding-DNA position 7089, A replaced by C.
Molecular consequence: intron variant.
Genome position (GRCh38, 1-based): chr11:108,327,762, A>C. VCF-style: chr11-108327762-A-C. GRCh37 (hg19) VCF-style: chr11-108198489-A-C.
Other names: c.7089+4A>C (NM_001351834.2); c.641-18691T>G (NM_001330368.2); c.*38+7458T>G (NM_001351110.2).
Identifiers: ClinVar variation 1390267 (VCV001390267.9), dbSNP rs2136380076, ClinGen allele CA2573146619.
Genomic context (GRCh38, chr11:108,327,762, plus strand): 5'-TTAGCAGAAACGTGCTTAGAAAATCCTGCGGTCATCATGCAGACCTATCTAGAAAAGGTA[A>C]GATTTTTGGAGCAACCCTTAAGATAGTTACTTAGCATGAATATGCTTCATCTTTTCATCA-3'

ClinVar aggregate classification (germline): Uncertain significance. Review status: criteria provided, multiple submitters, no conflicts (2 of 4 stars). 2 submissions from 2 submitters: Uncertain significance (2). Last evaluated 2022-09-15.

Conditions:
Hereditary cancer-predisposing syndrome. Also called: Tumor predisposition; Neoplastic Syndromes, Hereditary; Hereditary Cancer Syndrome; Hereditary neoplastic syndrome. Identifiers: Orphanet 140162, MedGen C0027672, MeSH D009386, MONDO:0015356.
Ataxia-telangiectasia syndrome (AT). Also called: Ataxia-telangiectasia; LOUIS-BAR SYNDROME; Ataxia-telangiectasia, complementation group D; AT, COMPLEMENTATION GROUP C; ATAXIA-TELANGIECTASIA, COMPLEMENTATION GROUP A; ATAXIA-TELANGIECTASIA, FRESNO VARIANT. Identifiers: Orphanet 100, MedGen C0004135, MONDO:0008840, OMIM 208900.

Submissions (2):

Ambry Genetics
Classification: Uncertain significance for Hereditary cancer-predisposing syndrome. Last evaluated: 2022-09-15. Review status: criteria provided, single submitter. Criteria: Ambry Variant Classification Scheme 2023. Collection method: clinical testing. Allele origin: germline.
Comment: The c.7089+4A>C intronic variant results from an A to C substitution 4 nucleotides after coding exon 47 in the ATM gene. This nucleotide position is well conserved in available vertebrate species. In silico splice site analysis predicts that this alteration will not have any significant effect on splicing; however, direct evidence is insufficient at this time (Ambry internal data). Since supporting evidence is limited at this time, the clinical significance of this alteration remains unclear.

Labcorp Genetics (formerly Invitae), Labcorp
Classification: Uncertain significance for Ataxia-telangiectasia syndrome. Last evaluated: 2021-10-30. Review status: criteria provided, single submitter. Criteria: Invitae Variant Classification Sherloc (09022015). Collection method: clinical testing. Allele origin: germline.
Comment: This variant is not present in population databases (gnomAD no frequency). This sequence change falls in intron 48 of the ATM gene. It does not directly change the encoded amino acid sequence of the ATM protein. It affects a nucleotide within the consensus splice site. This variant has not been reported in the literature in individuals affected with ATM-related conditions. In summary, the available evidence is currently insufficient to determine the role of this variant in disease. Therefore, it has been classified as a Variant of Uncertain Significance. Variants that disrupt the consensus splice site are a relatively common cause of aberrant splicing (PMID: 17576681, 9536098). Algorithms developed to predict the effect of sequence changes on RNA splicing suggest that this variant is not likely to affect RNA splicing.

Literature cited by the submitters: PubMed 17576681 (cited by Labcorp Genetics (formerly Invitae), Labcorp); PubMed 9536098 (cited by Labcorp Genetics (formerly Invitae), Labcorp).